The following is an entry in ClinVar:

NM_000051.4(ATM):c.3350A>G (p.Gln1117Arg)

Gene: ATM (ATM serine/threonine kinase; plus strand). Cytogenetic location: 11q22.3.
Variant type: single nucleotide variant.
Coding change: c.3350A>G on transcript NM_000051.4 (MANE Select); coding-DNA position 3350, A replaced by G.
Protein change: p.Gln1117Arg; replaces glutamine 1117 with arginine.
Molecular consequence: missense variant.
Genome position (GRCh38, 1-based): chr11:108,279,556, A>G. VCF-style: chr11-108279556-A-G. GRCh37 (hg19) VCF-style: chr11-108150283-A-G.
Other names: c.3350A>G, p.Gln1117Arg (NM_001351834.2); short protein forms Q1117R.
Identifiers: ClinVar variation 927961 (VCV000927961.18), dbSNP rs755828033, ClinGen allele CA6265266.
Genomic context (GRCh38, chr11:108,279,556, plus strand): 5'-TCCAGGACACGAAGGGAGATTCTTCCAGGTTACTGAAAGCACTTCCTTTGAAGCTTCAGC[A>G]AACAGCTTTTGAAAATGCATACTTGAAAGCTCAGGAAGGAATGAGAGAAATGGTAATTTT-3'
Protein context (NP_000042.3, residues 1107-1127): LLKALPLKLQ[Gln1117Arg]TAFENAYLKA

ClinVar aggregate classification (germline): Uncertain significance. Review status: criteria provided, multiple submitters, no conflicts (2 of 4 stars). 5 submissions from 5 submitters: Uncertain significance (4). 1 of the submissions does not count toward it. Last evaluated 2025-11-12.

Conditions:
Ataxia-telangiectasia syndrome (AT). Also called: Ataxia-telangiectasia, complementation group D; Cerebello-oculocutaneous telangiectasia; Immunodeficiency with ataxia telangiectasia; LOUIS-BAR SYNDROME; Ataxia-telangiectasia; AT, COMPLEMENTATION GROUP C. Identifiers: Orphanet 100, MedGen C0004135, MONDO:0008840, OMIM 208900.
Hereditary cancer-predisposing syndrome. Also called: Tumor predisposition; Hereditary neoplastic syndrome; Neoplastic Syndromes, Hereditary; Hereditary Cancer Syndrome. Identifiers: Orphanet 140162, MedGen C0027672, MeSH D009386, MONDO:0015356.

Allele frequency attached by ClinVar (database versions not stated): ExAC 0.00001.

Submissions (5):

Color Diagnostics, LLC DBA Color Health
Classification: Uncertain significance for Hereditary cancer-predisposing syndrome. Last evaluated: 2025-11-12. Review status: criteria provided, single submitter. Criteria: ACMG Guidelines, 2015. Collection method: clinical testing. Allele origin: germline.
Comment: This missense variant replaces glutamine with arginine at codon 1117 of the ATM protein. Computational prediction suggests that this variant may not impact protein structure and function. To our knowledge, functional studies have not been reported for this variant. This variant has not been reported in individuals affected with ATM-related disorders in the literature. This variant has not been identified in the general population by the Genome Aggregation Database (gnomAD). The available evidence is insufficient to determine the role of this variant in disease conclusively. Therefore, this variant is classified as a Variant of Uncertain Significance.

Ambry Genetics
Classification: Uncertain significance for Hereditary cancer-predisposing syndrome. Last evaluated: 2025-10-26. Review status: criteria provided, single submitter. Criteria: Ambry Variant Classification Scheme 2023. Collection method: clinical testing. Allele origin: germline.
Comment: The p.Q1117R variant (also known as c.3350A>G), located in coding exon 22 of the ATM gene, results from an A to G substitution at nucleotide position 3350. The glutamine at codon 1117 is replaced by arginine, an amino acid with highly similar properties. This amino acid position is highly conserved in available vertebrate species. In addition, the in silico prediction for this alteration is inconclusive. Since supporting evidence is limited at this time, the clinical significance of this alteration remains unclear.

Labcorp Genetics (formerly Invitae), Labcorp
Classification: Uncertain significance for Ataxia-telangiectasia syndrome. Last evaluated: 2025-03-30. Review status: criteria provided, single submitter. Criteria: Invitae Variant Classification Sherloc (09022015). Collection method: clinical testing. Allele origin: germline.
Comment: This sequence change replaces glutamine, which is neutral and polar, with arginine, which is basic and polar, at codon 1117 of the ATM protein (p.Gln1117Arg). This variant is not present in population databases (gnomAD no frequency). This variant has not been reported in the literature in individuals affected with ATM-related conditions. ClinVar contains an entry for this variant (Variation ID: 927961). Invitae Evidence Modeling of protein sequence and biophysical properties (such as structural, functional, and spatial information, amino acid conservation, physicochemical variation, residue mobility, and thermodynamic stability) indicates that this missense variant is not expected to disrupt ATM protein function with a negative predictive value of 95%. In summary, the available evidence is currently insufficient to determine the role of this variant in disease. Therefore, it has been classified as a Variant of Uncertain Significance.

GeneDx
Classification: Uncertain significance. Last evaluated: 2020-01-14. Review status: criteria provided, single submitter. Criteria: GeneDx Variant Classification Process June 2021. Collection method: clinical testing. Allele origin: germline. Affected: yes.
Comment: Not observed in large population cohorts (Lek 2016); In silico analysis, which includes protein predictors and evolutionary conservation, supports that this variant does not alter protein structure/function; Has not been previously published as pathogenic or benign to our knowledge

Natera, Inc.
Classification: Uncertain significance for Ataxia-telangiectasia. Last evaluated: 2025-01-10. Review status: no assertion criteria provided. Collection method: clinical testing. Allele origin: germline. Not counted in ClinVar's aggregate classification.